The following is an entry in ClinVar:

NM_003982.4(SLC7A7):c.658G>C (p.Gly220Arg)

Gene: SLC7A7 (solute carrier family 7 member 7; minus strand). Cytogenetic location: 14q11.2.
Variant type: single nucleotide variant.
Coding change: c.658G>C on transcript NM_003982.4 (MANE Select); coding-DNA position 658, G replaced by C.
Protein change: p.Gly220Arg; replaces glycine 220 with arginine.
Molecular consequence: missense variant.
Genome position (GRCh38, 1-based): chr14:22,778,905, C>G on the plus strand (G>C on the coding strand, the complement: SLC7A7 is on the minus strand). VCF-style: chr14-22778905-C-G. GRCh37 (hg19) VCF-style: chr14-23248114-C-G.
Other names: c.658G>C, p.Gly220Arg (NM_001126105.3, NM_001126106.4); short protein forms G220R.
Identifiers: ClinVar variation 849911 (VCV000849911.11), dbSNP rs1488108533, ClinGen allele CA388924106.

ClinVar aggregate classification (germline): Uncertain significance. Review status: criteria provided, multiple submitters, no conflicts (2 of 4 stars). 2 submissions from 2 submitters: Uncertain significance (2). Last evaluated 2024-04-08.

Conditions:
Lysinuric protein intolerance (LPI). Identifiers: Orphanet 470, MedGen C0268647, MONDO:0009109, OMIM 222700.

Allele frequency attached by ClinVar (database versions not stated): gnomAD exomes below 0.00001.
gnomAD v4.1: 5 of 1,614,078 alleles (0.00031%); highest among the groups gnomAD compares: African/African-American, 0.0013%; no homozygotes.

Submissions (2):

Fulgent Genetics
Classification: Uncertain significance for Lysinuric protein intolerance. Last evaluated: 2024-04-08. Review status: criteria provided, single submitter. Criteria: ACMG Guidelines, 2015. Collection method: clinical testing. Allele origin: germline.

Labcorp Genetics (formerly Invitae), Labcorp
Classification: Uncertain significance for Lysinuric protein intolerance. Last evaluated: 2019-12-22. Review status: criteria provided, single submitter. Criteria: Invitae Variant Classification Sherloc (09022015). Collection method: clinical testing. Allele origin: germline.
Comment: In summary, the available evidence is currently insufficient to determine the role of this variant in disease. Therefore, it has been classified as a Variant of Uncertain Significance. Algorithms developed to predict the effect of missense changes on protein structure and function are either unavailable or do not agree on the potential impact of this missense change (SIFT: "Deleterious"; PolyPhen-2: "Probably Damaging"; Align-GVGD: "Class C0"). This variant has not been reported in the literature in individuals with SLC7A7-related conditions. This variant is not present in population databases (ExAC no frequency). This sequence change replaces glycine with arginine at codon 220 of the SLC7A7 protein (p.Gly220Arg). The glycine residue is moderately conserved and there is a moderate physicochemical difference between glycine and arginine.